The following is an entry in ClinVar:

NM_005267.5(GJA8):c.592C>T (p.Arg198Trp)

Gene: GJA8 (gap junction protein alpha 8; plus strand). Cytogenetic location: 1q21.2.
Variant type: single nucleotide variant.
Coding change: c.592C>T on transcript NM_005267.5 (MANE Select); coding-DNA position 592, C replaced by T.
Protein change: p.Arg198Trp; replaces arginine 198 with tryptophan.
Molecular consequence: missense variant.
Genome position (GRCh38, 1-based): chr1:147,908,547, C>T. VCF-style: chr1-147908547-C-T. GRCh37 (hg19) VCF-style: chr1-147380674-C-T.
Other names: c.592C>T (NM_005267.4); short protein forms R198W.
Identifiers: ClinVar variation 2581012 (VCV002581012.13), dbSNP rs2524891845, ClinGen allele CA342224933.

ClinVar aggregate classification (germline): Conflicting classifications of pathogenicity. Review status: criteria provided, conflicting classifications (1 of 4 stars). 9 submissions from 9 submitters: Pathogenic (6); Likely pathogenic (2); Uncertain significance (1). Last evaluated 2025-11-24.

Conditions:
Cataract 1 multiple types. Also called: CATARACT, DUFFY-LINKED; CATARACT 1, POSTERIOR SUBCAPSULAR, WITH MICROCORNEA; CATARACT 1, MULTIPLE TYPES, WITH OR WITHOUT MICROCORNEA; CATARACT 1, NUCLEAR PROGRESSIVE; CATARACT 1 WITH MICROCORNEA; CATARACT 1, STELLATE NUCLEAR, WITH MICROCORNEA. Identifiers: Orphanet 1377, MedGen C1861828, MONDO:0007285, OMIM 116200.
GJA8-related disorders.

Submissions (9):

Victorian Clinical Genetics Services, Murdoch Childrens Research Institute
Classification: Pathogenic for Cataract 1 multiple types. Last evaluated: 2025-11-24. Review status: criteria provided, single submitter. Criteria: ACMG Guidelines, 2015. Collection method: clinical testing. Allele origin: germline. Affected: yes.
Comment: This variant is classified as Pathogenic. Evidence in support of pathogenic classification: Variant is absent from gnomAD (v2, v3 and v4); This variant has strong previous evidence of pathogenicity in unrelated individuals. This variant has been classified as likely pathogenic/pathogenic by clinical laboratories in ClinVar. Additionally, it has been reported in the literature in a family with total cataracts (PMID: 40868138); Another missense variant(s) comparable to the one identified in this case has moderate previous evidence for pathogenicity. p.(Arg198Gln) has been classified as pathogenic by clinical laboratories in ClinVar; Missense variant predicted to be damaging by in silico tool(s) or highly conserved with a major amino acid change. Additional information: Variant is predicted to result in a missense amino acid change from Arg to Trp; This variant is heterozygous; This gene is associated with autosomal dominant disease; Alternative amino acid change(s) at the same position are present in gnomAD (highest allele count: v4: 3 heterozygote(s), 0 homozygote(s)); Variant is located in the annotated connexin domain (DECIPHER); Dominant negative is a likely mechanism of disease in this gene and is associated with cataract 1, multiple types (MIM#116200). - The condition associated with this gene has incomplete penetrance (OMIM); Inheritance information for this variant is not currently available in this individual.

Molecular Genetics of Human Eye Development, Oxford Brookes University
Classification: Pathogenic for Cataract 1 multiple types. Last evaluated: 2025-02-18. Review status: criteria provided, single submitter. Criteria: ACMG Guidelines, 2015. Collection method: clinical testing. Allele origin: inherited. Affected: yes. Observed: 3 variant alleles.
Comment: The GJA8 c.592C>T; p.(Arg198Trp) variant was identified in a family with 3 individuals displaying dominant bilateral congenital cataract, micropthalmia and microcornea. The variant is absent in genomic databases, including gnomAD v4.1, and predicted deleterious/damaging by several in silico prediction tools including SIFT, PolyPhen and AlphaMissense. The variant has been previously reported in patients with congenital eye anomalies (PMID: 21779674). The variant is classified pathogenic using PS1, PS2, PM1, PM2, PP3.

New York Genome Center
Classification: Pathogenic for Cataract 1 multiple types. Last evaluated: 2025-02-10. Review status: criteria provided, single submitter. Criteria: NYGC Assertion Criteria 2020. Collection method: clinical testing. Allele origin: de novo. Affected: yes. Observed: 1 variant allele, 1 heterozygote.
Comment: The c.592C>T variant identified in the GJA8 gene has been reported in multiple individuals with congenital cataracts [PMID: 20806042,36729443, 37337769] and it has been deposited in ClinVar [ClinVar ID: 2581012] as pathogenic/likely pathogenic (2 submissions). This variant is absent from population databases (gnomADv4.1.0, All of US) suggesting it is not a common benign variant in the populations represented in those databases. The c.592C>T variant is located in the single protein-coding exon of GJA8 and is predicted to replace a highly conserved arginine amino acid with tryptophan at position 198 in the extracellular loop 2 (ECL2; PMID: 35428228) of the encoded protein [p.(Arg198Trp)]. In silico predictions are in favor of the variant’s deleterious effect [REVEL score =0.952]; however, functional studies to support or refute these predictions have not been reported. A different missense variant [p.(Arg198Gln)] affecting the same residue has been reported in a family with bilateral developmental cataracts [PMID: 16604058] and as pathogenic in ClinVar [ClinVar ID: 8726]. Based on the available evidence, the c.592C>T p.(Arg198Trp) variant identified in the GJA8 gene reported as Pathogenic.

GeneDx
Classification: Pathogenic. Last evaluated: 2024-02-26. Review status: criteria provided, single submitter. Criteria: GeneDx Variant Classification Process June 2021. Collection method: clinical testing. Allele origin: germline. Affected: yes.
Comment: Not observed in large population cohorts (gnomAD); In silico analysis, which includes protein predictors and evolutionary conservation, supports a deleterious effect; This variant is associated with the following publications: (PMID: 27785597, 23300808, 27990357, 23592913, 25003127, 33816482, 36729443, 20806042)

Dept. Genetics and Cancer, Menzies Institute for Medical Research, University of Tasmania
Classification: Uncertain significance for Cataract 1 multiple types. Last evaluated: 2023-01-21. Review status: criteria provided, single submitter. Criteria: ACMG Guidelines, 2015. Collection method: curation. Allele origin: germline. Affected: yes.
Comment: Variant identified and curated during a GJA8 specific review of the literature in relation to pediatric or congenital cataract. ACMG-AMP criteria applied: PS4(Supporting), PM2(Supporting), PP3. Original variant report: PMID:20806042;33923544. The cataract phenotype reported for this variant is: Nuclear. Additional phenotype/s reported in these individual/s are: Microcornea, and Microphthalmia. Gene review and curation guidelines are outlined in: DOI 10.1080/17469899.2023.2160320

Labcorp Genetics (formerly Invitae), Labcorp
Classification: Pathogenic for Cataract 1 multiple types. Last evaluated: 2022-11-04. Review status: criteria provided, single submitter. Criteria: Invitae Variant Classification Sherloc (09022015). Collection method: clinical testing. Allele origin: germline.
Comment: This missense change has been observed in individuals with autosomal dominant congenital cataract (PMID: 20806042; Invitae). It has also been observed to segregate with disease in related individuals. This variant is not present in population databases (gnomAD no frequency). Algorithms developed to predict the effect of missense changes on protein structure and function (SIFT, PolyPhen-2, Align-GVGD) all suggest that this variant is likely to be disruptive. For these reasons, this variant has been classified as Pathogenic. This variant disrupts the p.Arg198 amino acid residue in GJA8. Other variant(s) that disrupt this residue have been determined to be pathogenic (PMID: 16604058, 24281366; Invitae). This suggests that this residue is clinically significant, and that variants that disrupt this residue are likely to be disease-causing. This sequence change replaces arginine, which is basic and polar, with tryptophan, which is neutral and slightly polar, at codon 198 of the GJA8 protein (p.Arg198Trp).

Blueprint Genetics
Classification: Pathogenic for GJA8-related disorders. Last evaluated: 2020-07-10. Review status: criteria provided, single submitter. Criteria: ACMG Guidelines, 2015. Collection method: clinical testing. Allele origin: germline. Affected: yes. Observed: 4 variant alleles.

Dr. med. U. Finckh, Human Genetics, Eurofins MVZ
Classification: Likely pathogenic for Cataract 1 multiple types. Last evaluated: 2019-09-25. Review status: criteria provided, single submitter. Criteria: ACMG Guidelines, 2015. Collection method: clinical testing. Allele origin: unknown. Affected: yes.
Comment: The variant is not present in population databases (gnomAD). Another missense change of this codon has already been described as pathogenic. Residual uncertainty remains as there were no parental samples available for testing.

Juno Genomics, Hangzhou Juno Genomics, Inc
Classification: Likely pathogenic for Cataract 1 multiple types. Review status: criteria provided, single submitter. Criteria: ACMG Guidelines, 2015. Collection method: clinical testing. Allele origin: germline. Affected: yes.
Comment: Absent from controls (or at extremely low frequency if recessive) in Genome Aggregation Database, Exome Sequencing Project, 1000 Genomes Project, or Exome Aggregation Consortium.;Multiple lines of computational evidence support a deleterious effect on the gene or gene product (conservation, evolutionary, splicing impact, etc).;The prevalence of the variant in affected individuals is significantly increased compared to the prevalence in controls.;Co-segregation with disease in multiple affected family members in a gene definitively known to cause the disease.

Literature cited by the submitters: PubMed 40868138 (cited by Victorian Clinical Genetics Services, Murdoch Childrens Research Institute); PubMed 20806042 (cited by 4 submitters); PubMed 36729443 (cited by New York Genome Center); PubMed 37337769 (cited by New York Genome Center); PubMed 33923544 (cited by Dept. Genetics and Cancer, Menzies Institute for Medical Research, University of Tasmania); PubMed 16604058 (cited by Labcorp Genetics (formerly Invitae), Labcorp); PubMed 24281366 (cited by Labcorp Genetics (formerly Invitae), Labcorp).